The following is an entry in ClinVar:

NM_000426.4(LAMA2):c.3237C>A (p.Cys1079Ter)

Gene: LAMA2 (laminin subunit alpha 2; plus strand). Cytogenetic location: 6q22.33.
Variant type: single nucleotide variant.
Coding change: c.3237C>A on transcript NM_000426.4 (MANE Select); coding-DNA position 3237, C replaced by A.
Protein change: p.Cys1079Ter; replaces cysteine 1079 with a stop codon.
Molecular consequence: nonsense.
Genome position (GRCh38, 1-based): chr6:129,312,923, C>A. VCF-style: chr6-129312923-C-A. GRCh37 (hg19) VCF-style: chr6-129634068-C-A.
Other names: c.3237C>A, p.Cys1079Ter (NM_001079823.2); short protein forms C1079*.
Identifiers: ClinVar variation 496856 (VCV000496856.8), dbSNP rs1554268940, ClinGen allele CA365611766.

ClinVar aggregate classification (germline): Pathogenic. Review status: criteria provided, multiple submitters, no conflicts (2 of 4 stars). 2 submissions from 2 submitters: Pathogenic (2). Last evaluated 2022-12-19.

Conditions:
LAMA2-related muscular dystrophy (LAMA2-RD). Also called: Laminin alpha 2-related dystrophy. Identifiers: MedGen C5679788, MONDO:0100228.

Submissions (2):

Labcorp Genetics (formerly Invitae), Labcorp
Classification: Pathogenic for LAMA2-related muscular dystrophy. Last evaluated: 2022-12-19. Review status: criteria provided, single submitter. Criteria: Invitae Variant Classification Sherloc (09022015). Collection method: clinical testing. Allele origin: germline.
Comment: ClinVar contains an entry for this variant (Variation ID: 496856). For these reasons, this variant has been classified as Pathogenic. This variant has not been reported in the literature in individuals affected with LAMA2-related conditions. This variant is not present in population databases (gnomAD no frequency). This sequence change creates a premature translational stop signal (p.Cys1079*) in the LAMA2 gene. It is expected to result in an absent or disrupted protein product. Loss-of-function variants in LAMA2 are known to be pathogenic (PMID: 18700894, 32904964).

Eurofins Ntd Llc (ga)
Classification: Pathogenic. Last evaluated: 2017-03-01. Review status: criteria provided, single submitter. Criteria: EGL Classification Definitions 2015. Collection method: clinical testing. Allele origin: germline. Observed: 1 variant allele, 1 heterozygote.

Literature cited by the submitters: PubMed 18700894 (cited by Labcorp Genetics (formerly Invitae), Labcorp); PubMed 32904964 (cited by Labcorp Genetics (formerly Invitae), Labcorp).